The following is an entry in ClinVar:

ClinVar aggregate classification (germline): Likely pathogenic (1 of 4 stars; one submission).

Conditions:
Bardet-Biedl syndrome (BBS). Identifiers: Orphanet 110, MedGen C0752166, MONDO:0015229.

Submission:

Labcorp Genetics (formerly Invitae), Labcorp
Classification: Likely pathogenic for Bardet-Biedl syndrome. Last evaluated: 2020-09-11. Review status: criteria provided, single submitter. Criteria: Invitae Variant Classification Sherloc (09022015). Collection method: clinical testing. Allele origin: germline.
Comment: This sequence change affects a donor splice site in intron 2 of the BBS5 gene. It is expected to disrupt RNA splicing and likely results in an absent or disrupted protein product. In summary, the currently available evidence indicates that the variant is pathogenic, but additional data are needed to prove that conclusively. Therefore, this variant has been classified as Likely Pathogenic. Donor and acceptor splice site variants typically lead to a loss of protein function (PMID: 16199547), and loss-of-function variants in BBS5 are known to be pathogenic (PMID: 15137946, 16877420, 26325687, 27708425, 29806606). Algorithms developed to predict the effect of sequence changes on RNA splicing suggest that this variant may disrupt the consensus splice site, but this prediction has not been confirmed by published transcriptional studies. This variant has not been reported in the literature in individuals with BBS5-related conditions. This variant is not present in population databases (ExAC no frequency).

Literature cited by the submitters: PubMed 16199547; PubMed 15137946; PubMed 16877420; PubMed 26325687; PubMed 27708425; PubMed 29806606.

NM_152384.3(BBS5):c.142+1G>T

Gene: BBS5 (Bardet-Biedl syndrome 5; plus strand). Cytogenetic location: 2q31.1.
Variant type: single nucleotide variant.
Coding change: c.142+1G>T on transcript NM_152384.3 (MANE Select); the canonical splice donor site of the intron after coding-DNA position 142, G replaced by T.
Molecular consequence: splice donor variant.
Genome position (GRCh38, 1-based): chr2:169,482,334, G>T. VCF-style: chr2-169482334-G-T. GRCh37 (hg19) VCF-style: chr2-170338844-G-T.
Identifiers: ClinVar variation 1067484 (VCV001067484.7), dbSNP rs2105291750, ClinGen allele CA349160106.